The following is an entry in ClinVar:

NM_182931.3(KMT2E):c.1993C>T (p.Arg665Cys)

Gene: KMT2E (lysine methyltransferase 2E (inactive); plus strand). Cytogenetic location: 7q22.3.
Variant type: single nucleotide variant.
Coding change: c.1993C>T on transcript NM_182931.3 (MANE Select); coding-DNA position 1993, C replaced by T.
Protein change: p.Arg665Cys; replaces arginine 665 with cysteine.
Molecular consequence: missense variant.
Genome position (GRCh38, 1-based): chr7:105,101,991, C>T. VCF-style: chr7-105101991-C-T. GRCh37 (hg19) VCF-style: chr7-104742438-C-T.
Other names: c.1993C>T, p.Arg665Cys (NM_001410908.1, NM_018682.4); short protein forms R665C.
Identifiers: ClinVar variation 3731499 (VCV003731499.1).

ClinVar aggregate classification (germline): Uncertain significance (1 of 4 stars; one submission).

Conditions:
O'Donnell-Luria-Rodan syndrome (ODLURO). Also called: KMT2E-Related Neurodevelopmental Disorder. Identifiers: MedGen C5193138, MONDO:0032793, OMIM 618512.

gnomAD v4.1: 5 of 1,613,848 alleles (0.00031%); highest among the groups gnomAD compares: South Asian, 0.0022%; no homozygotes.

Submission:

Neuberg Centre For Genomic Medicine, NCGM
Classification: Uncertain significance for O'Donnell-Luria-Rodan syndrome. Last evaluated: 2023-06-22. Review status: criteria provided, single submitter. Criteria: ACMG Guidelines, 2015. Collection method: clinical testing. Allele origin: germline. Inheritance: Autosomal dominant inheritance. Affected: yes.
Comment: The observed missense c.1993C>T(p.Arg665Cys) variant in KMT2E gene has not been reported previously as a pathogenic variant nor as a benign variant, to our knowledge. This variant is absent in gnomAD Exomes. The amino acid Arg at position 665 is changed to a Cys changing protein sequence and it might alter its composition and physico-chemical properties. The amino acid change p.Arg665Cys in KMT2E is predicted as conserved by GERP++ and PhyloP across 100 vertebrates. Multiple lines of computational evidence (Polyphen - Damaging, SIFT - Damaging, and MutationTaster - Disease causing) predict a damaging effect on protein structure and function for this variant. For these reasons, this variant has been classified as Uncertain Significance.